The following is an entry in ClinVar:

ClinVar aggregate classification (germline): Pathogenic (1 of 4 stars; one submission).

Conditions:
Combined immunodeficiency due to ORAI1 deficiency. Also called: IMMUNODEFICIENCY 9. Identifiers: Orphanet 169090, Orphanet 317428, MedGen C2748568, MONDO:0013007, OMIM 612782.
Myopathy, tubular aggregate, 2 (TAM2). Identifiers: MedGen C4014557, MONDO:0014383, OMIM 615883.

Submission:

Labcorp Genetics (formerly Invitae), Labcorp
Classification: Pathogenic for Myopathy, tubular aggregate, 2; Combined immunodeficiency due to ORAI1 deficiency. Last evaluated: 2023-12-25. Review status: criteria provided, single submitter. Criteria: Invitae Variant Classification Sherloc (09022015). Collection method: clinical testing. Allele origin: germline.
Comment: This variant is a gross deletion of the genomic region encompassing exon(s) 1 of the ORAI1 gene, which includes the initiator codon. This deletion extends beyond the assayed region for this gene and therefore may encompass additional genes. It is expected to result in an absent or disrupted protein product. Loss-of-function variants in ORAI1 are known to be pathogenic (PMID: 16582901, 20004786, 26070885). This variant has not been reported in the literature in individuals affected with ORAI1-related conditions. For these reasons, this variant has been classified as Pathogenic.

Literature cited by the submitters: PubMed 16582901; PubMed 20004786; PubMed 26070885.

NC_000012.11:g.(?_122064648)_(122064976_?)del

Gene: ORAI1 (ORAI calcium release-activated calcium modulator 1; plus strand). Cytogenetic location: 12q24.31.
Variant type: Deletion.
Identifiers: ClinVar variation 1428101 (VCV001428101.6).